The following is an entry in ClinVar:

ClinVar aggregate classification (germline): Pathogenic (1 of 4 stars; one submission).

Submission:

Labcorp Genetics (formerly Invitae), Labcorp
Classification: Pathogenic. Last evaluated: 2023-07-16. Review status: criteria provided, single submitter. Criteria: Invitae Variant Classification Sherloc (09022015). Collection method: clinical testing. Allele origin: germline.
Comment: This sequence change replaces glycine, which is neutral and non-polar, with alanine, which is neutral and non-polar, at codon 374 of the COL4A5 protein (p.Gly374Ala). This variant is not present in population databases (gnomAD no frequency). For these reasons, this variant has been classified as Pathogenic. This variant disrupts the p.Gly374 amino acid residue in COL4A5. Other variant(s) that disrupt this residue have been observed in individuals with COL4A5-related conditions (PMID: 30577881, 33369211; Invitae), which suggests that this may be a clinically significant amino acid residue. This variant disrupts the triple helix domain of COL4A5. Glycine residues within the Gly-Xaa-Yaa repeats of the triple helix domain are required for the structure and stability of fibrillar collagens (PMID: 7695699, 8218237, 19344236). In COL4A5, missense variants at these glycine residues are significantly enriched in individuals with disease (PMID: 23720012, 27627812) compared to the general population (ExAC). Advanced modeling of protein sequence and biophysical properties (such as structural, functional, and spatial information, amino acid conservation, physicochemical variation, residue mobility, and thermodynamic stability) performed at Invitae indicates that this missense variant is expected to disrupt COL4A5 protein function. This missense change has been observed in individual(s) with clinical features of Alport syndrome (PMID: 8651296; Invitae).

Literature cited by the submitters: PubMed 30577881; PubMed 33369211; PubMed 7695699; PubMed 8218237; PubMed 19344236; PubMed 23720012; PubMed 27627812; PubMed 8651296.

NM_033380.3(COL4A5):c.1121G>C (p.Gly374Ala)

Gene: COL4A5 (collagen type IV alpha 5 chain; plus strand). Cytogenetic location: Xq22.3.
Variant type: single nucleotide variant.
Coding change: c.1121G>C on transcript NM_033380.3 (MANE Select); coding-DNA position 1121, G replaced by C.
Protein change: p.Gly374Ala; replaces glycine 374 with alanine.
Molecular consequence: missense variant.
Genome position (GRCh38, 1-based): chrX:108,586,703, G>C. VCF-style: chrX-108586703-G-C. GRCh37 (hg19) VCF-style: chrX-107829933-G-C.
Other names: c.1121G>C, p.Gly374Ala (NM_000495.5); short protein forms G374A.
Identifiers: ClinVar variation 2737330 (VCV002737330.3), dbSNP rs104886108, ClinGen allele CA258407.